The following is an entry in ClinVar:

NM_000179.3(MSH6):c.3542A>G (p.Asp1181Gly)

Gene: MSH6 (mutS homolog 6; plus strand). Cytogenetic location: 2p16.3.
Variant type: single nucleotide variant.
Coding change: c.3542A>G on transcript NM_000179.3 (MANE Select); coding-DNA position 3542, A replaced by G.
Protein change: p.Asp1181Gly; replaces aspartic acid 1181 with glycine.
Molecular consequence: missense variant.
Genome position (GRCh38, 1-based): chr2:47,805,013, A>G. VCF-style: chr2-47805013-A-G. GRCh37 (hg19) VCF-style: chr2-48032152-A-G.
Other names: c.3152A>G, p.Asp1051Gly (NM_001281492.2); c.2636A>G, p.Asp879Gly (NM_001281493.2, NM_001281494.2); short protein forms D1181G, D1051G, D879G.
Identifiers: ClinVar variation 233132 (VCV000233132.16), dbSNP rs876660216, ClinGen allele CA10578149.
Genomic context (GRCh38, chr2:47,805,013, plus strand): 5'-CTGCTGAAGTGTGCAGGCTCACACCAATTGATAGAGTGTTTACTAGACTTGGTGCCTCAG[A>G]CAGAATAATGTCAGGTGAGTTTTTTGTTTCCCACTTAAGTTCTCATTCAGTCATTTAGAT-3'
Protein context (NP_000170.1, residues 1171-1191): DRVFTRLGAS[Asp1181Gly]RIMSGESTFF

ClinVar aggregate classification (germline): Uncertain significance. Review status: criteria provided, multiple submitters, no conflicts (2 of 4 stars). 3 submissions from 3 submitters: Uncertain significance (3). Last evaluated 2026-08-19.

Conditions:
Hereditary nonpolyposis colorectal neoplasms. Identifiers: MedGen C0009405, MeSH D003123.
Hereditary cancer-predisposing syndrome. Also called: Tumor predisposition; Neoplastic Syndromes, Hereditary; Hereditary Cancer Syndrome; Hereditary neoplastic syndrome. Identifiers: Orphanet 140162, MedGen C0027672, MeSH D009386, MONDO:0015356.
Lynch syndrome. Identifiers: Orphanet 144, MedGen C4552100, MONDO:0005835. Disease mechanism: loss of function.

Submissions (3):

Ambry Genetics
Classification: Uncertain significance for Hereditary cancer-predisposing syndrome. Last evaluated: 2026-08-19. Review status: criteria provided, single submitter. Criteria: Ambry Variant Classification Scheme 2023. Collection method: clinical testing. Allele origin: germline.
Comment: The p.D1181G variant (also known as c.3542A>G), located in coding exon 6 of the MSH6 gene, results from an A to G substitution at nucleotide position 3542. The aspartic acid at codon 1181 is replaced by glycine, an amino acid with similar properties. This amino acid position is highly conserved in available vertebrate species. In addition, this alteration is predicted to be deleterious by in silico analysis. Based on the available evidence, the clinical significance of this variant remains unclear.

Labcorp Genetics (formerly Invitae), Labcorp
Classification: Uncertain significance for Hereditary nonpolyposis colorectal neoplasms. Last evaluated: 2025-06-25. Review status: criteria provided, single submitter. Criteria: Invitae Variant Classification Sherloc (09022015). Collection method: clinical testing. Allele origin: germline.
Comment: This sequence change replaces aspartic acid, which is acidic and polar, with glycine, which is neutral and non-polar, at codon 1181 of the MSH6 protein (p.Asp1181Gly). This variant is not present in population databases (gnomAD no frequency). This variant has not been reported in the literature in individuals affected with MSH6-related conditions. ClinVar contains an entry for this variant (Variation ID: 233132). Invitae Evidence Modeling of protein sequence and biophysical properties (such as structural, functional, and spatial information, amino acid conservation, physicochemical variation, residue mobility, and thermodynamic stability) indicates that this missense variant is expected to disrupt MSH6 protein function with a positive predictive value of 80%. In summary, the available evidence is currently insufficient to determine the role of this variant in disease. Therefore, it has been classified as a Variant of Uncertain Significance.

All of Us Research Program, National Institutes of Health
Classification: Uncertain significance for Lynch syndrome. Last evaluated: 2023-04-27. Review status: criteria provided, single submitter. Criteria: ACMG Guidelines, 2015. Collection method: clinical testing. Allele origin: germline. Inheritance: Autosomal dominant inheritance. Observed: 1 variant allele, 1 heterozygote.
Comment: This study involves interpretation of variants in research participants for the purpose of population health screening. Participant phenotype was not available at the time of variant classification. Additional details can be found in publication PMID: 35346344, PMCID: PMC8962531